The following is an entry in ClinVar:

NM_001040142.2(SCN2A):c.5548G>T (p.Asp1850Tyr)

Gene: SCN2A (sodium voltage-gated channel alpha subunit 2; plus strand). Cytogenetic location: 2q24.3.
Variant type: single nucleotide variant.
Coding change: c.5548G>T on transcript NM_001040142.2 (MANE Select); coding-DNA position 5548, G replaced by T.
Protein change: p.Asp1850Tyr; replaces aspartic acid 1850 with tyrosine.
Molecular consequence: missense variant.
Genome position (GRCh38, 1-based): chr2:165,389,354, G>T. VCF-style: chr2-165389354-G-T. GRCh37 (hg19) VCF-style: chr2-166245864-G-T.
Other names: c.5548G>T, p.Asp1850Tyr (NM_001040143.2, NM_001371246.1, NM_001371247.1 and 1 more transcripts); short protein forms D1850Y.
Identifiers: ClinVar variation 4071669 (VCV004071669.1).

ClinVar aggregate classification (germline): Uncertain significance (1 of 4 stars; one submission).

Submission:

GeneDx
Classification: Uncertain significance. Last evaluated: 2025-01-23. Review status: criteria provided, single submitter. Criteria: GeneDx Variant Classification Process June 2021. Collection method: clinical testing. Allele origin: germline. Affected: yes.
Comment: Not observed at significant frequency in large population cohorts (gnomAD); In silico analysis supports that this missense variant has a deleterious effect on protein structure/function; Has not been previously published as pathogenic or benign to our knowledge; This substitution is predicted to be within the C-terminal cytoplasmic domain